The following is an entry in ClinVar:

NM_000642.3(AGL):c.2909T>C (p.Val970Ala)

Gene: AGL (amylo-alpha-1,6-glucosidase and 4-alpha-glucanotransferase; plus strand). Cytogenetic location: 1p21.2.
Variant type: single nucleotide variant.
Coding change: c.2909T>C on transcript NM_000642.3 (MANE Select); coding-DNA position 2909, T replaced by C.
Protein change: p.Val970Ala; replaces valine 970 with alanine.
Molecular consequence: missense variant.
Genome position (GRCh38, 1-based): chr1:99,891,316, T>C. VCF-style: chr1-99891316-T-C. GRCh37 (hg19) VCF-style: chr1-100356872-T-C.
Other names: c.2909T>C, p.Val970Ala (NM_000028.3, NM_000643.3, NM_000644.3 and 1 more transcripts); c.2861T>C, p.Val954Ala (NM_000646.3); c.2888T>C, p.Val963Ala (NM_001425326.1); c.2708T>C, p.Val903Ala (NM_001425327.1); c.2705T>C, p.Val902Ala (NM_001425328.1); c.2570T>C, p.Val857Ala (NM_001425329.1); c.2531T>C, p.Val844Ala (NM_001425332.1); short protein forms V970A, V954A, V844A, V857A, V902A, V903A, V963A.
Identifiers: ClinVar variation 643475 (VCV000643475.9), dbSNP rs1570463733, ClinGen allele CA341325253.
Genomic context (GRCh38, chr1:99,891,316, plus strand): 5'-ATGACTTGGGGCATCCTTTTTGTAATAATTTGAGATCTGGAGATTGGATGATTGACTATG[T>C]CAGTAACCGGCTTATTTCACGATCAGGAACTATTGCTGAAGTAAGTAGAGCTATATTATC-3'
Protein context (NP_000633.2, residues 960-980): LRSGDWMIDY[Val970Ala]SNRLISRSGT

ClinVar aggregate classification (germline): Uncertain significance (1 of 4 stars; one submission).

Conditions:
Glycogen storage disease type III (GSD3). Also called: FORBES DISEASE; Cori disease. Identifiers: Orphanet 366, MedGen C0017922, MONDO:0009291, OMIM 232400.

Submission:

Labcorp Genetics (formerly Invitae), Labcorp
Classification: Uncertain significance for Glycogen storage disease type III. Last evaluated: 2018-12-20. Review status: criteria provided, single submitter. Criteria: Invitae Variant Classification Sherloc (09022015). Collection method: clinical testing. Allele origin: germline.
Comment: This sequence change replaces valine with alanine at codon 970 of the AGL protein (p.Val970Ala). The valine residue is moderately conserved and there is a small physicochemical difference between valine and alanine. This variant is not present in population databases (ExAC no frequency). This variant has not been reported in the literature in individuals with AGL-related conditions. Algorithms developed to predict the effect of missense changes on protein structure and function (SIFT, PolyPhen-2, Align-GVGD) all suggest that this variant is likely to be tolerated, but these predictions have not been confirmed by published functional studies and their clinical significance is uncertain. In summary, the available evidence is currently insufficient to determine the role of this variant in disease. Therefore, it has been classified as a Variant of Uncertain Significance.